The following is an entry in ClinVar:

ClinVar aggregate classification (germline): Uncertain significance (1 of 4 stars; one submission).

Conditions:
KIDINS220-related disorder. Also called: KIDINS220-related condition.

Submission:

PreventionGenetics, part of Exact Sciences
Classification: Uncertain significance for KIDINS220-related condition. Last evaluated: 2024-12-02. Review status: criteria provided, single submitter. Criteria: ACMG Guidelines, 2015. Collection method: clinical testing. Allele origin: germline.
Comment: The KIDINS220 c.603+4_603+7delAGTA variant is predicted to result in an intronic deletion. To our knowledge, this variant has not been reported in the literature or in a large population database, indicating this variant is rare. Available splicing prediction programs indicate that this variant may reduce the strength of the canonical donor splice site (SpliceAI, Jaganathan K, et al. 2019. PubMed ID: 30661751). However, such computer prediction programs are imperfect. At this time, the clinical significance of this variant is uncertain due to the absence of conclusive functional and genetic evidence.

NM_020738.4(KIDINS220):c.603+4_603+7del

Gene: KIDINS220 (kinase D interacting substrate 220; minus strand). Cytogenetic location: 2p25.1.
Variant type: Deletion.
Coding change: c.603+4_603+7del on transcript NM_020738.4 (MANE Select); bases 4 to 7 of the intron after coding-DNA position 603, 4 bases deleted (AGTA; older notation c.603+4_603+7delAGTA).
Molecular consequence: splice donor variant.
Genome position (GRCh38, 1-based): chr2:8,806,264-8,806,267, TACT deleted on the plus strand (AGTA on the coding strand, the reverse complement: KIDINS220 is on the minus strand); deleting any 4 consecutive bases within chr2:8,806,264-8,806,270 gives the same sequence; the c. name uses the placement nearest the transcript's 3' end. VCF-style (leftmost placement, unchanged base first): chr2-8806263-ATACT-A. GRCh37 (hg19) VCF-style: chr2-8946393-ATACT-A.
Other names: c.603+4_603+7del (NM_001348741.2, NM_001348738.2, NM_001348742.2 and 3 more transcripts); c.606+4_606+7del (NM_001348739.2, NM_001348740.2, NM_001348734.2 and 3 more transcripts); c.477+4_477+7del (NM_001348736.2).
Identifiers: ClinVar variation 2634790 (VCV002634790.2), dbSNP rs1675442169, ClinGen allele CA1237160226.
Genomic context (GRCh38, chr2:8,806,263, plus strand): 5'-AATAAATTCTCTCTCTTAAAATAAAAAACATGTTTCTATTGCCAAGCATTAAAATATAAG[ATACT>A]TACAGCTCCTTCTTGATCCACATCAGCTCCCATGGCCAATAAATGTTTCACACATTCCAA-3'